The following is an entry in ClinVar:

ClinVar aggregate classification (germline): Conflicting classifications of pathogenicity. Review status: criteria provided, conflicting classifications (1 of 4 stars). 12 submissions from 12 submitters: Uncertain significance (2); Benign (5); Likely benign (4). 1 of the submissions does not count toward it. Last evaluated 2026-09-01.

Conditions:
TTN-related disorder. Also called: TTN-related disorders; TTN-related condition; TTN-related disease.
Autosomal recessive limb-girdle muscular dystrophy type 2J (LGMDR10). Also called: Limb-girdle muscular dystrophy, type 2J; MUSCULAR DYSTROPHY, LIMB-GIRDLE, AUTOSOMAL RECESSIVE 10. Identifiers: Orphanet 140922, MedGen C1837342, MONDO:0012127, OMIM 608807.
Dilated cardiomyopathy 1G (CMD1G). Identifiers: Orphanet 154, MedGen C1858763, MONDO:0011400, OMIM 604145.
Cardiomyopathy (CMYO). Also called: Cardiomyopathies. Identifiers: Orphanet 167848, MedGen C0878544, MONDO:0004994, HP:0001638. Inheritance: Various modes of inheritance.
Hypertrophic cardiomyopathy. Also called: HYPERTROPHIC MYOCARDIOPATHY. Identifiers: Orphanet 217569, MedGen C0007194, MeSH D002312, MONDO:0005045, HP:0001639.

Submissions (12):

CeGaT Center for Human Genetics Tuebingen
Classification: Likely benign. Last evaluated: 2026-09-01. Review status: criteria provided, single submitter. Criteria: CeGaT Center For Human Genetics Tuebingen Variant Classification Criteria Version 2. Collection method: clinical testing. Allele origin: germline. Affected: yes. Observed: 5 variant alleles.
Comment: TTN: PM4, BS1

Labcorp Genetics (formerly Invitae), Labcorp
Classification: Benign for Dilated cardiomyopathy 1G; Autosomal recessive limb-girdle muscular dystrophy type 2J. Last evaluated: 2026-01-27. Review status: criteria provided, single submitter. Criteria: Invitae Variant Classification Sherloc (09022015). Collection method: clinical testing. Allele origin: germline.

Molecular Diagnostic Laboratory for Inherited Cardiovascular Disease, Montreal Heart Institute
Classification: Likely benign. Last evaluated: 2025-07-24. Review status: criteria provided, single submitter. Criteria: ACMG Guidelines, 2015. Collection method: clinical testing. Allele origin: germline. Affected: no.
Comment: BS1;BP3

Blueprint Genetics
Classification: Likely benign. Last evaluated: 2024-11-07. Review status: criteria provided, single submitter. Criteria: ACMG Guidelines, 2015. Collection method: clinical testing. Allele origin: germline.

Women's Health and Genetics/Laboratory Corporation of America, LabCorp
Classification: Benign. Last evaluated: 2021-12-20. Review status: criteria provided, single submitter. Criteria: LabCorp Variant Classification Summary - May 2015. Collection method: clinical testing. Allele origin: germline.
Comment: Variant summary: TTN c.30418_30438del21 (p.Val10140_Glu10146del) results in an in-frame deletion that is predicted to remove seven amino acids from the encoded protein. The variant allele was found at a frequency of 0.0013 in 248956 control chromosomes, predominantly at a frequency of 0.0057 within the South Asian subpopulation in the gnomAD database, including 4 homozygotes. The observed variant frequency within South Asian control individuals in the gnomAD database is approximately 14 fold of the estimated maximal expected allele frequency for a pathogenic variant in TTN causing Dilated Cardiomyopathy phenotype (0.00039), strongly suggesting that the variant is a benign polymorphism found primarily in populations of South Asian origin. To our knowledge, no occurrence of c.30418_30438del21 in individuals affected with Dilated Cardiomyopathy and no experimental evidence demonstrating its impact on protein function have been reported. Six clinical diagnostic laboratories have submitted clinical-significance assessments for this variant to ClinVar after 2014 and classified the variant as VUS (n=1), likely benign (n=4) and benign(n=1). Based on the evidence outlined above, the variant was classified as benign.

Laboratory for Molecular Medicine, Mass General Brigham Personalized Medicine
Classification: Benign. Last evaluated: 2020-06-14. Review status: criteria provided, single submitter. Criteria: LMM Criteria. Collection method: clinical testing. Allele origin: germline. Observed: 1 variant allele.
Comment: The p.Val10140_Glu10146del variant in TTN is classified as benign because it has been identified in 0.56% (173/30572) of South Asian chromosomes, including 4 homozygotes, by gnomAD. ACMG/AMP Criteria applied: BA1.

ARUP Laboratories, Molecular Genetics and Genomics, ARUP Laboratories
Classification: Benign. Last evaluated: 2020-06-02. Review status: criteria provided, single submitter. Criteria: ARUP Molecular Germline Variant Investigation Process. Collection method: clinical testing. Allele origin: germline.

Center for Advanced Laboratory Medicine, UC San Diego Health, University of California San Diego
Classification: Likely benign for Cardiomyopathy. Last evaluated: 2019-01-22. Review status: criteria provided, single submitter. Criteria: ACMG Guidelines, 2015. Collection method: clinical testing. Allele origin: germline. Affected: yes. Observed: 1 variant allele.

GeneDx
Classification: Benign. Last evaluated: 2018-01-30. Review status: criteria provided, single submitter. Criteria: GeneDx Variant Classification (06012015). Collection method: clinical testing. Allele origin: germline. Affected: yes.
Comment: This variant is considered likely benign or benign based on one or more of the following criteria: it is a conservative change, it occurs at a poorly conserved position in the protein, it is predicted to be benign by multiple in silico algorithms, and/or has population frequency not consistent with disease.

Genetic Services Laboratory, University of Chicago
Classification: Uncertain significance. Last evaluated: 2013-12-02. Review status: criteria provided, single submitter. Criteria: ACMG Guidelines, 2007. Collection method: clinical testing. Allele origin: germline.

Genetics and Genomics Program, Sidra Medicine
Classification: Uncertain significance for Hypertrophic cardiomyopathy. Review status: criteria provided, single submitter. Criteria: ACMG Guidelines, 2015. Collection method: research. Allele origin: unknown. Affected: yes. Observed: 1 variant allele.

PreventionGenetics, part of Exact Sciences
Classification: Likely benign for TTN-related condition. Last evaluated: 2020-11-16. Review status: no assertion criteria provided. Collection method: clinical testing. Allele origin: germline. Not counted in ClinVar's aggregate classification.
Comment: This variant is classified as likely benign based on ACMG/AMP sequence variant interpretation guidelines (Richards et al. 2015 PMID: 25741868, with internal and published modifications).

NM_001267550.2(TTN):c.34129GTTCTACCTGAAGAAGAGGAA[1] (p.11363VLPEEEE[3])

Gene: TTN (titin; minus strand). Cytogenetic location: 2q31.2.
Variant type: Microsatellite.
Coding change: c.34129GTTCTACCTGAAGAAGAGGAA[1] on transcript NM_001267550.2 (MANE Select); one copy of the 21-base unit GTTCTACCTGAAGAAGAGGAA starting at c.34129; the reference has two copies in a row; one copy, 21 bases deleted; also written c.34150_34170del.
Protein change: p.11363VLPEEEE[3].
Molecular consequence: inframe deletion. On other transcripts: intron variant (3).
Genome position (GRCh38, 1-based): chr2:178,677,742-178,677,762, TTCCTCTTCTTCAGGTAGAAC deleted on the plus strand (GTTCTACCTGAAGAAGAGGAA on the coding strand, the reverse complement: TTN is on the minus strand); deleting any 21 consecutive bases within chr2:178,677,742-178,677,792 gives the same sequence; the position shown is the placement nearest the transcript's 3' end. VCF-style (leftmost placement, unchanged base first): chr2-178677741-TTTCCTCTTCTTCAGGTAGAAC-T. GRCh37 (hg19) VCF-style: chr2-179542468-TTTCCTCTTCTTCAGGTAGAAC-T.
Other names: c.34150_34170del21 (NM_001267550.2); c.34150_34170delGTTCTACCTGAAGAAGAGGAA (NM_001267550.2); c.33199_33219del21 (NM_001256850.1); c.34150_34170del (NM_001267550.2); c.33178GTTCTACCTGAAGAAGAGGAA[1], p.11046VLPEEEE[3] (NM_001256850.1); c.30397GTTCTACCTGAAGAAGAGGAA[1], p.10119VLPEEEE[3] (NM_133378.4); c.13283-35445_13283-35425del (NM_003319.4); c.13859-35445_13859-35425del (NM_133437.4); and 4 more.
Identifiers: ClinVar variation 130665 (VCV000130665.61), dbSNP rs587780487, ClinGen allele CA231591.
Genomic context (GRCh38, chr2:178,677,741, plus strand): 5'-ATTCTTCTTCCTCAGGTACATATTCTTCTTCGGGAGGAACTTCCTCTTCCTCAGGTGGAA[TTTCCTCTTCTTCAGGTAGAAC>T]TTCCTCTTCTTCAGGTAGAACTTCCTCTTCCTCAGGTAGAACTTCCTCTTCCTCAGGTAG-3'